The following is an entry in ClinVar:

ClinVar aggregate classification (germline): Uncertain significance (1 of 4 stars; one submission).

Conditions:
Hereditary insensitivity to pain with anhidrosis (CIPA). Also called: hereditary sensory and autonomic neuropathy type 4; NEUROPATHY, CONGENITAL SENSORY, WITH ANHIDROSIS; INSENSITIVITY TO PAIN, CONGENITAL, WITH ANHIDROSIS; HSAN Type IV; NTRK1 Congenital Insensitivity to Pain with Anhidrosis; FAMILIAL DYSAUTONOMIA, TYPE II. Identifiers: Orphanet 642, MedGen C0020074, MONDO:0009746, OMIM 256800.

gnomAD v4.1: 1 of 1,614,018 alleles (0.000062%); highest among the groups gnomAD compares: Non-Finnish European, 0.000085%; no homozygotes.

Submission:

Labcorp Genetics (formerly Invitae), Labcorp
Classification: Uncertain significance for Hereditary insensitivity to pain with anhidrosis. Last evaluated: 2020-10-19. Review status: criteria provided, single submitter. Criteria: Invitae Variant Classification Sherloc (09022015). Collection method: clinical testing. Allele origin: germline.
Comment: This sequence change replaces alanine with glutamic acid at codon 630 of the NTRK1 protein (p.Ala630Glu). The alanine residue is moderately conserved and there is a moderate physicochemical difference between alanine and glutamic acid. This variant is not present in population databases (ExAC no frequency). This variant has not been reported in the literature in individuals with NTRK1-related conditions. Advanced modeling of protein sequence and biophysical properties (such as structural, functional, and spatial information, amino acid conservation, physicochemical variation, residue mobility, and thermodynamic stability) performed at Invitae indicates that this missense variant is expected to disrupt NTRK1 protein function. In summary, the available evidence is currently insufficient to determine the role of this variant in disease. Therefore, it has been classified as a Variant of Uncertain Significance.

NM_002529.4(NTRK1):c.1907C>A (p.Ala636Glu)

Gene: NTRK1 (neurotrophic receptor tyrosine kinase 1; plus strand). Cytogenetic location: 1q23.1.
Variant type: single nucleotide variant.
Coding change: c.1907C>A on transcript NM_002529.4 (MANE Select); coding-DNA position 1907, C replaced by A.
Protein change: p.Ala636Glu; replaces alanine 636 with glutamic acid.
Molecular consequence: missense variant.
Genome position (GRCh38, 1-based): chr1:156,879,223, C>A. VCF-style: chr1-156879223-C-A. GRCh37 (hg19) VCF-style: chr1-156849015-C-A.
Other names: c.1799C>A, p.Ala600Glu (NM_001007792.1); c.1889C>A, p.Ala630Glu (NM_001012331.2); short protein forms A600E, A630E, A636E.
Identifiers: ClinVar variation 1060602 (VCV001060602.9), dbSNP rs771421920, ClinGen allele CA342939719.